The following is an entry in ClinVar:

ClinVar aggregate classification (germline): Uncertain significance (1 of 4 stars; one submission).

gnomAD v4.1: 2 of 1,613,950 alleles (0.00012%); highest among the groups gnomAD compares: Admixed American, 0.0017%; no homozygotes.

Submission:

CeGaT Center for Human Genetics Tuebingen
Classification: Uncertain significance. Last evaluated: 2024-03-01. Review status: criteria provided, single submitter. Criteria: CeGaT Center For Human Genetics Tuebingen Variant Classification Criteria Version 2. Collection method: clinical testing. Allele origin: germline. Affected: yes. Observed: 1 variant allele.
Comment: KCNMA1: PP2

NM_001161352.2(KCNMA1):c.2311C>T (p.Arg771Trp)

Genes: KCNMA1 (potassium calcium-activated channel subfamily M alpha 1; minus strand), KCNMA1-AS1 (KCNMA1 antisense RNA 1; plus strand). Cytogenetic location: 10q22.3.
Variant type: single nucleotide variant.
Coding change: c.2311C>T on transcript NM_001161352.2 (MANE Select); coding-DNA position 2311, C replaced by T.
Protein change: p.Arg771Trp; replaces arginine 771 with tryptophan.
Molecular consequence: missense variant.
Genome position (GRCh38, 1-based): chr10:76,970,023, G>A on the plus strand (C>T on the coding strand, the complement: KCNMA1 is on the minus strand). VCF-style: chr10-76970023-G-A. GRCh37 (hg19) VCF-style: chr10-78729781-G-A.
Other names: c.2149C>T, p.Arg717Trp (NM_001014797.3, NM_001322835.2, NM_001322837.2); c.2137C>T, p.Arg713Trp (NM_001161353.2, NM_001322832.2, NM_001410940.1 and 1 more transcripts); c.1987C>T, p.Arg663Trp (NM_001271518.2); c.2146C>T, p.Arg716Trp (NM_001271519.2, NM_001322829.2, NM_001322836.2); c.2158C>T, p.Arg720Trp (NM_001322830.2); c.1684C>T, p.Arg562Trp (NM_001322838.2); short protein forms R562W, R663W, R713W, R716W, R717W, R720W, R771W.
Identifiers: ClinVar variation 3067407 (VCV003067407.21), dbSNP rs1300891541, ClinGen allele CA377408409.
Genomic context (GRCh38, chr10:76,970,023, plus strand): 5'-CCTCTCCTTACCTCATCAGCTTAGGCGAGGTGTTGGGTGAGTTCCGCATGCCTCCATTCC[G>A]TTGCTTTTTTTTTGGTGATAGTGTTGACGGCTGCTCATCTTCAACTGGAAATACAGGCAG-3'
Protein context (NP_001154824.1, residues 761-781): PSTLSPKKKQ[Arg771Trp]NGGMRNSPNT